The following is an entry in ClinVar:

ClinVar aggregate classification (germline): Pathogenic (1 of 4 stars; one submission).

Conditions:
Alstrom syndrome (ALMS). Identifiers: Orphanet 64, MedGen C0268425, MONDO:0008763, OMIM 203800.

Submission:

Labcorp Genetics (formerly Invitae), Labcorp
Classification: Pathogenic for Alstrom syndrome. Last evaluated: 2024-07-16. Review status: criteria provided, single submitter. Criteria: Invitae Variant Classification Sherloc (09022015). Collection method: clinical testing. Allele origin: germline.
Comment: This sequence change creates a premature translational stop signal (p.Ser3198Valfs*23) in the ALMS1 gene. It is expected to result in an absent or disrupted protein product. Loss-of-function variants in ALMS1 are known to be pathogenic (PMID: 17594715). This variant is not present in population databases (gnomAD no frequency). This variant has not been reported in the literature in individuals affected with ALMS1-related conditions. For these reasons, this variant has been classified as Pathogenic.

Literature cited by the submitters: PubMed 17594715.

NM_001378454.1(ALMS1):c.9588_9621del (p.Ser3197fs)

Gene: ALMS1 (ALMS1 centrosome and basal body associated protein; plus strand). Cytogenetic location: 2p13.1.
Variant type: Deletion.
Coding change: c.9588_9621del on transcript NM_001378454.1 (MANE Select); coding-DNA positions 9588 to 9621, 34 bases deleted.
Protein change: p.Ser3197fs; shifts the reading frame from serine 3197.
Molecular consequence: frameshift variant.
Genome position (GRCh38, 1-based): chr2:73,519,823-73,519,856, 34 bases deleted. GRCh37 (hg19): chr2:73,746,950-73,746,983.
Other names: c.9591_9624del, p.Ser3198fs (NM_015120.4); short protein forms S3197fs, S3198fs.
Identifiers: ClinVar variation 3659613 (VCV003659613.2).
Genomic context (GRCh38, chr2:73,519,822, plus strand): 5'-CTTTTTTGGTCAGATTACCAGAGAAGATGAAGACCCCACTTTCTGCTTTCTCTGAAAAAT[TGTCATCTGATGCAGTCACTCAGATAACAACAGAA>T]AGTCCAGAAAAGACCCTATTTTCATCTGAGATTTTTATTAATGCTGAAGATCGTGGACAT-3'